The following is an entry in ClinVar:

NM_000136.3(FANCC):c.896+2T>G

Genes: AOPEP (aminopeptidase O (putative); plus strand), FANCC (FA complementation group C; minus strand). Cytogenetic location: 9q22.32.
Variant type: single nucleotide variant.
Coding change: c.896+2T>G on transcript NM_000136.3 (MANE Select); the canonical splice donor site of the intron after coding-DNA position 896, T replaced by G.
Molecular consequence: splice donor variant.
Genome position (GRCh38, 1-based): chr9:95,126,527, A>C on the plus strand (T>G on the coding strand, the complement: FANCC is on the minus strand). VCF-style: chr9-95126527-A-C. GRCh37 (hg19) VCF-style: chr9-97888809-A-C.
Other names: c.896+2T>G (NM_001243743.2, NM_001243744.2).
Identifiers: ClinVar variation 215982 (VCV000215982.11), dbSNP rs863224441, ClinGen allele CA336638.

ClinVar aggregate classification (germline): Likely pathogenic. Review status: criteria provided, multiple submitters, no conflicts (2 of 4 stars). 2 submissions from 2 submitters: Likely pathogenic (2). Last evaluated 2023-08-01.

Conditions:
Fanconi anemia (FA). Also called: Fanconi's anemia. Identifiers: Orphanet 84, MedGen C0015625, MeSH D005199, MONDO:0019391.

Submissions (2):

GeneDx
Classification: Likely pathogenic. Last evaluated: 2023-08-01. Review status: criteria provided, single submitter. Criteria: GeneDx Variant Classification Process June 2021. Collection method: clinical testing. Allele origin: germline. Affected: yes.
Comment: Canonical splice site variant predicted to result in a null allele in a gene for which loss of function is a known mechanism of disease; Not observed at significant frequency in large population cohorts (gnomAD); Has not been previously published as pathogenic or benign to our knowledge

Labcorp Genetics (formerly Invitae), Labcorp
Classification: Likely pathogenic for Fanconi anemia. Last evaluated: 2021-01-31. Review status: criteria provided, single submitter. Criteria: Invitae Variant Classification Sherloc (09022015). Collection method: clinical testing. Allele origin: germline.
Comment: This sequence change affects a donor splice site in intron 9 of the FANCC gene. It is expected to disrupt RNA splicing. Variants that disrupt the donor or acceptor splice site typically lead to a loss of protein function (PMID: 16199547), and loss-of-function variants in FANCC are known to be pathogenic (PMID: 17924555). This variant is not present in population databases (ExAC no frequency). This variant has not been reported in the literature in individuals with FANCC-related conditions. ClinVar contains an entry for this variant (Variation ID: 215982). In summary, the currently available evidence indicates that the variant is pathogenic, but additional data are needed to prove that conclusively. Therefore, this variant has been classified as Likely Pathogenic.

Literature cited by the submitters: PubMed 16199547 (cited by Labcorp Genetics (formerly Invitae), Labcorp); PubMed 17924555 (cited by Labcorp Genetics (formerly Invitae), Labcorp).